The following is an entry in ClinVar:

NM_015046.7(SETX):c.2283G>A (p.Ser761=)

Gene: SETX (senataxin; minus strand). Cytogenetic location: 9q34.13.
Variant type: single nucleotide variant.
Coding change: c.2283G>A on transcript NM_015046.7 (MANE Select); coding-DNA position 2283, G replaced by A.
Protein change: p.Ser761=; no amino-acid change (serine 761 retained).
Molecular consequence: synonymous variant.
Genome position (GRCh38, 1-based): chr9:132,329,315, C>T on the plus strand (G>A on the coding strand, the complement: SETX is on the minus strand). VCF-style: chr9-132329315-C-T. GRCh37 (hg19) VCF-style: chr9-135204702-C-T.
Other names: p.Ser761=; c.2283G>A, p.Ser761= (NM_001351527.2, NM_001351528.2).
Identifiers: ClinVar variation 4683446 (VCV004683446.1).

ClinVar aggregate classification (germline): Likely benign (1 of 4 stars; one submission).

gnomAD v4.1: 35 of 1,613,626 alleles (0.0022%); highest among the groups gnomAD compares: East Asian, 0.04%; no homozygotes.

Submission:

Mayo Clinic Laboratories, Mayo Clinic
Classification: Likely benign. Last evaluated: 2024-12-17. Review status: criteria provided, single submitter. Criteria: ACMG Guidelines, 2015. Collection method: clinical testing. Allele origin: germline. Observed: 1 variant allele.
Comment: BP4, BP7